The following is an entry in ClinVar:

NM_000372.5(TYR):c.659A>G (p.Gln220Arg)

Gene: TYR (tyrosinase; plus strand). Cytogenetic location: 11q14.3.
Variant type: single nucleotide variant.
Coding change: c.659A>G on transcript NM_000372.5 (MANE Select); coding-DNA position 659, A replaced by G.
Protein change: p.Gln220Arg; replaces glutamine 220 with arginine.
Molecular consequence: missense variant.
Genome position (GRCh38, 1-based): chr11:89,178,612, A>G. VCF-style: chr11-89178612-A-G. GRCh37 (hg19) VCF-style: chr11-88911780-A-G.
Other names: short protein forms Q220R.
Identifiers: ClinVar variation 1369550 (VCV001369550.8), dbSNP rs2135242554, ClinGen allele CA382035071.

ClinVar aggregate classification (germline): Uncertain significance (1 of 4 stars; one submission).

Submission:

Labcorp Genetics (formerly Invitae), Labcorp
Classification: Uncertain significance. Last evaluated: 2022-03-02. Review status: criteria provided, single submitter. Criteria: Invitae Variant Classification Sherloc (09022015). Collection method: clinical testing. Allele origin: germline.
Comment: In summary, the available evidence is currently insufficient to determine the role of this variant in disease. Therefore, it has been classified as a Variant of Uncertain Significance. Advanced modeling of protein sequence and biophysical properties (such as structural, functional, and spatial information, amino acid conservation, physicochemical variation, residue mobility, and thermodynamic stability) performed at Invitae indicates that this missense variant is not expected to disrupt TYR protein function. This variant has not been reported in the literature in individuals affected with TYR-related conditions. This variant is not present in population databases (gnomAD no frequency). This sequence change replaces glutamine, which is neutral and polar, with arginine, which is basic and polar, at codon 220 of the TYR protein (p.Gln220Arg).